The following is an entry in ClinVar:

ClinVar aggregate classification (germline): Uncertain significance. Review status: criteria provided, multiple submitters, no conflicts (2 of 4 stars). 2 submissions from 2 submitters: Uncertain significance (2). Last evaluated 2025-05-15.

Conditions:
TBX3-related disorder. Also called: TBX3-related condition.
Inborn genetic diseases. Identifiers: MedGen C0950123, MeSH D030342.

gnomAD v4.1: 42 of 1,614,024 alleles (0.0026%); highest among the groups gnomAD compares: Non-Finnish European, 0.0036%; no homozygotes.

Submissions (2):

PreventionGenetics, part of Exact Sciences
Classification: Uncertain significance for TBX3-related condition. Last evaluated: 2025-05-15. Review status: criteria provided, single submitter. Criteria: ACMG Guidelines, 2015. Collection method: clinical testing. Allele origin: germline.
Comment: The TBX3 c.208G>C variant is predicted to result in the amino acid substitution p.Gly70Arg. To our knowledge, this variant has not been reported in the literature. This variant is reported in 0.00090% of alleles in individuals of European (Non-Finnish) descent in gnomAD. At this time, the clinical significance of this variant is uncertain due to the absence of conclusive functional and genetic evidence.

Ambry Genetics
Classification: Uncertain significance for Inborn genetic diseases. Last evaluated: 2025-02-01. Review status: criteria provided, single submitter. Criteria: Ambry Variant Classification Scheme 2023. Collection method: clinical testing. Allele origin: germline.

NM_005996.4(TBX3):c.208G>C (p.Gly70Arg)

Genes: TBX3 (T-box transcription factor 3; minus strand), TBX3-AS1 (TBX3 antisense RNA 1; plus strand). Cytogenetic location: 12q24.21.
Variant type: single nucleotide variant.
Coding change: c.208G>C on transcript NM_005996.4 (MANE Select); coding-DNA position 208, G replaced by C.
Protein change: p.Gly70Arg; replaces glycine 70 with arginine.
Molecular consequence: missense variant.
Genome position (GRCh38, 1-based): chr12:114,682,993, C>G on the plus strand (G>C on the coding strand, the complement: TBX3 is on the minus strand). VCF-style: chr12-114682993-C-G. GRCh37 (hg19) VCF-style: chr12-115120798-C-G.
Other names: c.208G>C, p.Gly70Arg (NM_016569.4); c.208G>C (NM_016569.3); short protein forms G70R.
Identifiers: ClinVar variation 3804918 (VCV003804918.2).